The following is an entry in ClinVar:

ClinVar aggregate classification (germline): Uncertain significance (1 of 4 stars; one submission).

Conditions:
Developmental and epileptic encephalopathy, 9 (DEE9). Also called: Early infantile epileptic encephalopathy 9; JUBERG-HELLMAN SYNDROME; EPILEPSY, FEMALE-RESTRICTED, WITH MENTAL RETARDATION; PCDH19-Related X-Linked Female-Limited Epilepsy with Mental Retardation. Identifiers: Orphanet 101039, Orphanet 2076, MedGen C1848137, MONDO:0010246, OMIM 300088. Disease mechanism: loss of function.

Allele frequency attached by ClinVar (database versions not stated): ExAC 0.00001; gnomAD exomes 0.00001.
gnomAD v4.1: 8 of 1,207,941 alleles (0.00066%); highest among the groups gnomAD compares: South Asian, 0.0018%; no homozygotes.

Submission:

Labcorp Genetics (formerly Invitae), Labcorp
Classification: Uncertain significance for Developmental and epileptic encephalopathy, 9. Last evaluated: 2023-12-30. Review status: criteria provided, single submitter. Criteria: Invitae Variant Classification Sherloc (09022015). Collection method: clinical testing. Allele origin: germline.
Comment: This sequence change replaces arginine, which is basic and polar, with glutamine, which is neutral and polar, at codon 923 of the PCDH19 protein (p.Arg923Gln). This variant is present in population databases (rs765412420, gnomAD 0.005%). This variant has not been reported in the literature in individuals affected with PCDH19-related conditions. ClinVar contains an entry for this variant (Variation ID: 2177872). Advanced modeling of protein sequence and biophysical properties (such as structural, functional, and spatial information, amino acid conservation, physicochemical variation, residue mobility, and thermodynamic stability) performed at Invitae indicates that this missense variant is not expected to disrupt PCDH19 protein function with a negative predictive value of 95%. In summary, the available evidence is currently insufficient to determine the role of this variant in disease. Therefore, it has been classified as a Variant of Uncertain Significance.

NM_001184880.2(PCDH19):c.2768G>A (p.Arg923Gln)

Gene: PCDH19 (protocadherin 19; minus strand). Cytogenetic location: Xq22.1.
Variant type: single nucleotide variant.
Coding change: c.2768G>A on transcript NM_001184880.2 (MANE Select); coding-DNA position 2768, G replaced by A.
Protein change: p.Arg923Gln; replaces arginine 923 with glutamine.
Molecular consequence: missense variant.
Genome position (GRCh38, 1-based): chrX:100,341,983, C>T on the plus strand (G>A on the coding strand, the complement: PCDH19 is on the minus strand). VCF-style: chrX-100341983-C-T. GRCh37 (hg19) VCF-style: chrX-99596981-C-T.
Other names: c.2627G>A, p.Arg876Gln (NM_001105243.2); c.2624G>A, p.Arg875Gln (NM_020766.3); short protein forms R875Q, R876Q, R923Q.
Identifiers: ClinVar variation 2177872 (VCV002177872.4), dbSNP rs765412420, ClinGen allele CA10468711.